The following is an entry in ClinVar:

ClinVar aggregate classification (germline): Conflicting classifications of pathogenicity. Review status: criteria provided, conflicting classifications (1 of 4 stars). 3 submissions from 3 submitters: Uncertain significance (1); Likely benign (1). 1 of the submissions does not count toward it. Last evaluated 2022-08-23.

Conditions:
CENPF-related disorder. Also called: CENPF-related condition.

Allele frequency attached by ClinVar (database versions not stated): gnomAD exomes 0.00051 and 0.00030; gnomAD 0.00033 and 0.00032; ESP Exome Variant Server 0.00054; TOPMed 0.00030; ExAC 0.00034; 1000 Genomes Project 0.00040; 1000 Genomes Project 30x 0.00031.

Submissions (3):

Labcorp Genetics (formerly Invitae), Labcorp
Classification: Likely benign. Last evaluated: 2022-08-23. Review status: criteria provided, single submitter. Criteria: Invitae Variant Classification Sherloc (09022015). Collection method: clinical testing. Allele origin: germline.

GeneDx
Classification: Uncertain significance. Last evaluated: 2017-01-27. Review status: criteria provided, single submitter. Criteria: GeneDx Variant Classification (06012015). Collection method: clinical testing. Allele origin: germline. Affected: yes.
Comment: The E865D variant in the CENPF gene has not been reported previously as a pathogenic variant, nor as a benign variant, to our knowledge. This variant was not observed at any significant frequency in approximately 6500 individuals of European and African American ancestry in the NHLBI Exome Sequencing Project, indicating it is not a common benign variant in these populations. The E865D variant is a conservative amino acid substitution, which is not likely to impact secondary protein structure as these residues share similar properties, and occurs at a position that is not conserved. In silico analysis is inconsistent in its predictions as to whether or not the variant is damaging to the protein structure/function. We interpret E865D as a variant of uncertain significance.

PreventionGenetics, part of Exact Sciences
Classification: Likely benign for CENPF-related condition. Last evaluated: 2021-03-09. Review status: no assertion criteria provided. Collection method: clinical testing. Allele origin: germline. Not counted in ClinVar's aggregate classification.
Comment: This variant is classified as likely benign based on ACMG/AMP sequence variant interpretation guidelines (Richards et al. 2015 PMID: 25741868, with internal and published modifications).

NM_016343.4(CENPF):c.2595A>C (p.Glu865Asp)

Gene: CENPF (centromere protein F; plus strand). Cytogenetic location: 1q41.
Variant type: single nucleotide variant.
Coding change: c.2595A>C on transcript NM_016343.4 (MANE Select); coding-DNA position 2595, A replaced by C.
Protein change: p.Glu865Asp; replaces glutamic acid 865 with aspartic acid.
Molecular consequence: missense variant.
Genome position (GRCh38, 1-based): chr1:214,640,933, A>C. VCF-style: chr1-214640933-A-C. GRCh37 (hg19) VCF-style: chr1-214814276-A-C.
Other names: short protein forms E865D.
Identifiers: ClinVar variation 420407 (VCV000420407.14), dbSNP rs142993088, ClinGen allele CA1390279.
Genomic context (GRCh38, chr1:214,640,933, plus strand): 5'-GAACTCAGACCTGCAAAAGCAGTGTGAAGAGTTGGTGCAAATCAAAGGAGAAATAGAAGA[A>C]AATCTCATGAAAGCAGAACAGATGCATCAAAGTTTTGTGGCTGAAACAAGTCAGCGCATT-3'
Protein context (NP_057427.3, residues 855-875): ELVQIKGEIE[Glu865Asp]NLMKAEQMHQ